The following is an entry in ClinVar:

NM_012400.4(PLA2G2D):c.133G>A (p.Gly45Ser)

Gene: PLA2G2D (phospholipase A2 group IID; minus strand). Cytogenetic location: 1p36.12.
Variant type: single nucleotide variant.
Coding change: c.133G>A on transcript NM_012400.4 (MANE Select); coding-DNA position 133, G replaced by A.
Protein change: p.Gly45Ser; replaces glycine 45 with serine.
Molecular consequence: missense variant.
Genome position (GRCh38, 1-based): chr1:20,116,385, C>T on the plus strand (G>A on the coding strand, the complement: PLA2G2D is on the minus strand). VCF-style: chr1-20116385-C-T. GRCh37 (hg19) VCF-style: chr1-20442878-C-T.
Other names: NC_000001.10:g.20442878C>T; c.133G>A, p.Gly45Ser (NM_001271814.2); short protein forms G45S.
Identifiers: ClinVar variation 3257628 (VCV003257628.18).

ClinVar aggregate classification (germline): Likely benign (1 of 4 stars; one submission).

gnomAD v4.1: 9,881 of 1,614,144 alleles (0.61%); highest among the groups gnomAD compares: Non-Finnish European, 0.76%; 38 homozygotes.

Submissions (8):

CeGaT Center for Human Genetics Tuebingen
Classification: Likely benign. Last evaluated: 2024-07-01. Review status: criteria provided, single submitter. Criteria: CeGaT Center For Human Genetics Tuebingen Variant Classification Criteria Version 2. Collection method: clinical testing. Allele origin: germline. Affected: yes. Observed: 1 variant allele.
Comment: PLA2G2D: BP4, BS2

Dr. Peter K. Rogan Lab, Western University
No classification provided (evidence only). Condition: Lung cancer. Review status: no classification provided. Collection method: in vitro. Allele origin: not applicable. Functional consequence: retained intron. Not counted in ClinVar's aggregate classification.

Dr. Peter K. Rogan Lab, Western University
No classification provided (evidence only). Condition: Thyroid cancer, nonmedullary, 1. Review status: no classification provided. Collection method: in vitro. Allele origin: not applicable. Functional consequence: retained intron. Not counted in ClinVar's aggregate classification.

Dr. Peter K. Rogan Lab, Western University
No classification provided (evidence only). Condition: Ovarian serous cystadenocarcinoma. Review status: no classification provided. Collection method: in vitro. Allele origin: not applicable. Functional consequence: retained intron. Not counted in ClinVar's aggregate classification.

Dr. Peter K. Rogan Lab, Western University
No classification provided (evidence only). Condition: Gastric cancer. Review status: no classification provided. Collection method: in vitro. Allele origin: not applicable. Functional consequence: retained intron. Not counted in ClinVar's aggregate classification.

Dr. Peter K. Rogan Lab, Western University
No classification provided (evidence only). Condition: Gastric cancer. Review status: no classification provided. Collection method: in vitro. Allele origin: not applicable. Functional consequence: retained intron. Not counted in ClinVar's aggregate classification.

Dr. Peter K. Rogan Lab, Western University
No classification provided (evidence only). Condition: Nonpapillary renal cell carcinoma. Review status: no classification provided. Collection method: in vitro. Allele origin: not applicable. Functional consequence: retained intron. Not counted in ClinVar's aggregate classification.

Dr. Peter K. Rogan Lab, Western University
No classification provided (evidence only). Condition: Lymphoma. Review status: no classification provided. Collection method: in vitro. Allele origin: not applicable. Functional consequence: retained intron. Not counted in ClinVar's aggregate classification.